The following is an entry in ClinVar:

NM_182961.4(SYNE1):c.5882G>A (p.Arg1961Lys)

Gene: SYNE1 (spectrin repeat containing nuclear envelope protein 1; minus strand). Cytogenetic location: 6q25.2.
Variant type: single nucleotide variant.
Coding change: c.5882G>A on transcript NM_182961.4 (MANE Select); coding-DNA position 5882, G replaced by A.
Protein change: p.Arg1961Lys; replaces arginine 1961 with lysine.
Molecular consequence: missense variant.
Genome position (GRCh38, 1-based): chr6:152,416,555, C>T on the plus strand (G>A on the coding strand, the complement: SYNE1 is on the minus strand). VCF-style: chr6-152416555-C-T. GRCh37 (hg19) VCF-style: chr6-152737690-C-T.
Other names: c.5903G>A, p.Arg1968Lys (NM_033071.5); short protein forms R1961K, R1968K.
Identifiers: ClinVar variation 4084096 (VCV004084096.8).

ClinVar aggregate classification (germline): Uncertain significance. Review status: criteria provided, multiple submitters, no conflicts (2 of 4 stars). 2 submissions from 2 submitters: Uncertain significance (2). Last evaluated 2025-06-01.

gnomAD v4.1: 17 of 1,613,948 alleles (0.0011%); highest among the groups gnomAD compares: Middle Eastern, 0.016%; no homozygotes.

Submissions (2):

CeGaT Center for Human Genetics Tuebingen
Classification: Uncertain significance. Last evaluated: 2025-06-01. Review status: criteria provided, single submitter. Criteria: CeGaT Center For Human Genetics Tuebingen Variant Classification Criteria Version 2. Collection method: clinical testing. Allele origin: germline. Affected: yes. Observed: 1 variant allele.
Comment: SYNE1: PM2:Supporting, BP4

GeneDx
Classification: Uncertain significance. Last evaluated: 2025-04-16. Review status: criteria provided, single submitter. Criteria: GeneDx Variant Classification Process June 2021. Collection method: clinical testing. Allele origin: germline. Affected: yes.
Comment: Not observed at significant frequency in large population cohorts (gnomAD); In silico analysis indicates that this missense variant does not alter protein structure/function; Has not been previously published as pathogenic or benign to our knowledge